The following is an entry in ClinVar:

ClinVar aggregate classification (germline): Uncertain significance. Review status: criteria provided, multiple submitters, no conflicts (2 of 4 stars). 2 submissions from 2 submitters: Uncertain significance (2). Last evaluated 2025-04-17.

Conditions:
Hereditary cancer-predisposing syndrome. Also called: Neoplastic Syndromes, Hereditary; Tumor predisposition; Hereditary Cancer Syndrome; Hereditary neoplastic syndrome. Identifiers: Orphanet 140162, MedGen C0027672, MeSH D009386, MONDO:0015356.

Submissions (2):

Ambry Genetics
Classification: Uncertain significance for Hereditary cancer-predisposing syndrome. Last evaluated: 2025-04-17. Review status: criteria provided, single submitter. Criteria: Ambry Variant Classification Scheme 2023. Collection method: clinical testing. Allele origin: germline.
Comment: The p.R847K variant (also known as c.2540G>A), located in coding exon 15 of the PMS2 gene, results from a G to A substitution at nucleotide position 2540. The arginine at codon 847 is replaced by lysine, an amino acid with highly similar properties. This amino acid position is highly conserved in available vertebrate species. In addition, this alteration is predicted to be deleterious by in silico analysis. Based on the available evidence, the clinical significance of this variant remains unclear.

GeneDx
Classification: Uncertain significance. Last evaluated: 2020-01-16. Review status: criteria provided, single submitter. Criteria: GeneDx Variant Classification Process June 2021. Collection method: clinical testing. Allele origin: germline. Affected: yes.
Comment: Located in a critical functional domain: Zinc binding conserved motif within the endonuclease domain (Kosinski 2008, Fukui 2011) Not observed in large population cohorts (Lek et al., 2016) In silico analysis, which includes protein predictors and evolutionary conservation, supports a deleterious effect Has not been previously published as pathogenic or benign to our knowledge

NM_000535.7(PMS2):c.2540G>A (p.Arg847Lys)

Gene: PMS2 (PMS1 homolog 2, mismatch repair system component; minus strand). Cytogenetic location: 7p22.1.
Variant type: single nucleotide variant.
Coding change: c.2540G>A on transcript NM_000535.7 (MANE Select); coding-DNA position 2540, G replaced by A.
Protein change: p.Arg847Lys; replaces arginine 847 with lysine.
Molecular consequence: missense variant. On other transcripts: non-coding transcript variant (1).
Genome position (GRCh38, 1-based): chr7:5,973,448, C>T on the plus strand (G>A on the coding strand, the complement: PMS2 is on the minus strand). VCF-style: chr7-5973448-C-T. GRCh37 (hg19) VCF-style: chr7-6013079-C-T.
Other names: c.2135G>A, p.Arg712Lys (NM_001322003.2, NM_001322004.2, NM_001322005.2); c.2384G>A, p.Arg795Lys (NM_001322006.2); c.2222G>A, p.Arg741Lys (NM_001322007.2, NM_001322008.2); c.2168G>A, p.Arg723Lys (NM_001322009.2); c.1979G>A, p.Arg660Lys (NM_001322010.2); c.1607G>A, p.Arg536Lys (NM_001322011.2, NM_001322012.2); c.1967G>A, p.Arg656Lys (NM_001322013.2); c.2573G>A, p.Arg858Lys (NM_001322014.2); and 1 more; short protein forms R536K, R656K, R723K, R741K, R847K, R858K, R712K, R795K.
Identifiers: ClinVar variation 821454 (VCV000821454.8), dbSNP rs1583269177, ClinGen allele CA366734836.